The following is an entry in ClinVar:

NM_000218.3(KCNQ1):c.1514+10977G>A

Genes: KCNQ1 (potassium voltage-gated channel subfamily Q member 1; plus strand), KCNQ1OT1 (KCNQ1 opposite strand/antisense transcript 1; minus strand). Cytogenetic location: 11p15.5.
Variant type: single nucleotide variant.
Coding change: c.1514+10977G>A on transcript NM_000218.3 (MANE Select); 10977 bases into the intron after coding-DNA position 1514, G replaced by A.
Molecular consequence: intron variant.
Genome position (GRCh38, 1-based): chr11:2,673,058, G>A. VCF-style: chr11-2673058-G-A. GRCh37 (hg19) VCF-style: chr11-2694288-G-A.
Other names: c.1244+10977G>A (NM_001406837.1); c.1418+10977G>A (NM_001406836.1); c.974+10977G>A (NM_001406838.1); c.1133+10977G>A (NM_181798.2).
Identifiers: ClinVar variation 1694621 (VCV001694621.32), dbSNP rs76172525, ClinGen allele CA216179006.

ClinVar aggregate classification (germline): Benign. Review status: criteria provided, multiple submitters, no conflicts (2 of 4 stars). 2 submissions from 2 submitters: Benign (2). Last evaluated 2026-09-01.

Allele frequency attached by ClinVar (database versions not stated): gnomAD 0.00272 and 0.00310; TOPMed 0.00282; 1000 Genomes Project 0.00300; 1000 Genomes Project 30x 0.00328; gnomAD exomes 0.00383.
gnomAD v4.1: 1,427 of 398,828 alleles (0.36%); highest among the groups gnomAD compares: Middle Eastern, 1.3%; 5 homozygotes.

Submissions (2):

CeGaT Center for Human Genetics Tuebingen
Classification: Benign. Last evaluated: 2026-09-01. Review status: criteria provided, single submitter. Criteria: CeGaT Center For Human Genetics Tuebingen Variant Classification Criteria Version 2. Collection method: clinical testing. Allele origin: germline. Affected: yes. Observed: 55 variant alleles.
Comment: KCNQ1: BS1, BS2; KCNQ1OT1: BS1, BS2

Blueprint Genetics
Classification: Benign. Last evaluated: 2024-11-26. Review status: criteria provided, single submitter. Criteria: ACMG Guidelines, 2015. Collection method: clinical testing. Allele origin: germline.